The following is an entry in ClinVar:

ClinVar aggregate classification (germline): Pathogenic (1 of 4 stars; one submission).

Conditions:
Joubert syndrome 21 (JBTS21). Identifiers: MedGen C3810212, MONDO:0014288, OMIM 615636.

gnomAD v4.1: 1 of 1,614,156 alleles (0.000062%); highest among the groups gnomAD compares: Non-Finnish European, 0.000085%; no homozygotes.

Submission:

Labcorp Genetics (formerly Invitae), Labcorp
Classification: Pathogenic for Joubert syndrome 21. Last evaluated: 2024-03-15. Review status: criteria provided, single submitter. Criteria: Invitae Variant Classification Sherloc (09022015). Collection method: clinical testing. Allele origin: germline.
Comment: This sequence change creates a premature translational stop signal (p.Gln1018*) in the CSPP1 gene. It is expected to result in an absent or disrupted protein product. Loss-of-function variants in CSPP1 are known to be pathogenic (PMID: 24360807, 24360808). This variant is not present in population databases (gnomAD no frequency). This variant has not been reported in the literature in individuals affected with CSPP1-related conditions. For these reasons, this variant has been classified as Pathogenic.

Literature cited by the submitters: PubMed 24360807; PubMed 24360808.

NM_001382391.1(CSPP1):c.3067C>T (p.Gln1023Ter)

Genes: ARFGEF1 (ARF guanine nucleotide exchange factor 1; minus strand), CSPP1 (centrosome and spindle pole associated protein 1; plus strand). Cytogenetic location: 8q13.2.
Variant type: single nucleotide variant.
Coding change: c.3067C>T on transcript NM_001382391.1 (MANE Select); coding-DNA position 3067, C replaced by T.
Protein change: p.Gln1023Ter; replaces glutamine 1023 with a stop codon.
Molecular consequence: nonsense. On other transcripts: 3 prime UTR variant (2).
Genome position (GRCh38, 1-based): chr8:67,175,394, C>T. VCF-style: chr8-67175394-C-T. GRCh37 (hg19) VCF-style: chr8-68087629-C-T.
Other names: c.*161G>A (NM_001413186.1, NM_001413187.1); c.2017C>T, p.Gln673Ter (NM_001291339.2); c.2986C>T, p.Gln996Ter (NM_001363131.2); c.2872C>T, p.Gln958Ter (NM_001363132.2); c.2791C>T, p.Gln931Ter (NM_001363133.2); c.3133C>T, p.Gln1045Ter (NM_001364869.1); c.2953C>T, p.Gln985Ter (NM_001364870.1); c.2899C>T, p.Gln967Ter (NM_001438330.1); and 2 more; short protein forms Q673*, Q1018*, Q931*, Q1045*, Q985*, Q1023*, Q958*, Q996*.
Identifiers: ClinVar variation 3717557 (VCV003717557.2).